The following is an entry in ClinVar:

NM_001166108.2(PALLD):c.2255A>G (p.Tyr752Cys)

Genes: CBR4 (carbonyl reductase 4; minus strand), PALLD (palladin, cytoskeletal associated protein; plus strand). Cytogenetic location: 4q32.3.
Variant type: single nucleotide variant.
Coding change: c.2255A>G on transcript NM_001166108.2 (MANE Select); coding-DNA position 2255, A replaced by G.
Protein change: p.Tyr752Cys; replaces tyrosine 752 with cysteine.
Molecular consequence: missense variant.
Genome position (GRCh38, 1-based): chr4:168,898,497, A>G. VCF-style: chr4-168898497-A-G. GRCh37 (hg19) VCF-style: chr4-169819648-A-G.
Other names: c.1058A>G, p.Tyr353Cys (NM_001166109.2); c.743A>G, p.Tyr248Cys (NM_001166110.2); c.83A>G, p.Tyr28Cys (NM_001367567.1, NM_001367569.1); c.134A>G, p.Tyr45Cys (NM_001367568.1, NM_001367570.1); c.2204A>G, p.Tyr735Cys (NM_016081.4); short protein forms Y752C, Y45C, Y248C, Y28C, Y353C, Y735C.
Identifiers: ClinVar variation 5026225 (VCV005026225.1).

ClinVar aggregate classification (germline): Uncertain significance (1 of 4 stars; one submission).

gnomAD v4.1: 1 of 1,608,494 alleles (0.000062%); highest among the groups gnomAD compares: East Asian, 0.0022%; no homozygotes.

Submission:

Ambry Genetics
Classification: Uncertain significance. Last evaluated: 2026-07-20. Review status: criteria provided, single submitter. Criteria: Ambry Variant Classification Scheme 2023. Collection method: clinical testing. Allele origin: germline.
Comment: The p.Y248C variant (also known as c.743A>G), located in coding exon 4 of the PALLD gene, results from an A to G substitution at nucleotide position 743. The tyrosine at codon 248 is replaced by cysteine, an amino acid with highly dissimilar properties. This amino acid position is conserved. In addition, this alteration is predicted to be deleterious by in silico analysis. Based on the available evidence, the clinical significance of this variant remains unclear.